The following is an entry in ClinVar:

ClinVar aggregate classification (germline): Uncertain significance (1 of 4 stars; one submission).

Conditions:
Cardiovascular phenotype. Identifiers: MedGen CN230736.

gnomAD v4.1: 1 of 1,612,254 alleles (0.000062%); no homozygotes.

Submission:

Ambry Genetics
Classification: Uncertain significance for Cardiovascular phenotype. Last evaluated: 2025-10-23. Review status: criteria provided, single submitter. Criteria: Ambry Variant Classification Scheme 2023. Collection method: clinical testing. Allele origin: germline.
Comment: The p.S3368F variant (also known as c.10103C>T), located in coding exon 29 of the TNXB gene, results from a C to T substitution at nucleotide position 10103. The serine at codon 3368 is replaced by phenylalanine, an amino acid with highly dissimilar properties. This amino acid position is conserved. In addition, the in silico prediction for this alteration is inconclusive. Based on the available evidence, the clinical significance of this variant remains unclear.

NM_001365276.2(TNXB):c.10109C>T (p.Ser3370Phe)

Gene: TNXB (tenascin XB; minus strand). Cytogenetic location: 6p21.33.
Variant type: single nucleotide variant.
Coding change: c.10109C>T on transcript NM_001365276.2 (MANE Select); coding-DNA position 10109, C replaced by T.
Protein change: p.Ser3370Phe; replaces serine 3370 with phenylalanine.
Molecular consequence: missense variant.
Genome position (GRCh38, 1-based): chr6:32,047,949, G>A on the plus strand (C>T on the coding strand, the complement: TNXB is on the minus strand). VCF-style: chr6-32047949-G-A. GRCh37 (hg19) VCF-style: chr6-32015726-G-A.
Other names: c.10850C>T, p.Ser3617Phe (NM_001428335.1); c.10103C>T, p.Ser3368Phe (NM_019105.8); short protein forms S3370F, S3368F, S3617F.
Identifiers: ClinVar variation 4615156 (VCV004615156.1).